The following is an entry in ClinVar:

ClinVar aggregate classification (germline): Uncertain significance. Review status: criteria provided, multiple submitters, no conflicts (2 of 4 stars). 2 submissions from 2 submitters: Uncertain significance (2). Last evaluated 2025-07-12.

Conditions:
Cardiovascular phenotype. Identifiers: MedGen CN230736.
Arrhythmogenic cardiomyopathy with wooly hair and keratoderma. Also called: Carvajal syndrome; Dilated cardiomyopathy with woolly hair and keratoderma; PALMOPLANTAR KERATODERMA WITH LEFT VENTRICULAR CARDIOMYOPATHY AND WOOLLY HAIR; Arrhythmogenic cardiomyopathy with woolly hair and keratoderma. Identifiers: Orphanet 65282, MedGen C1854063, MONDO:0011581, OMIM 605676.
Arrhythmogenic right ventricular dysplasia 8 (ARVD8). Also called: Arrhythmogenic Right Ventricular Dysplasia/Cardiomyopathy 8; ARRHYTHMOGENIC RIGHT VENTRICULAR DYSPLASIA, FAMILIAL, 8; ARRHYTHMOGENIC RIGHT VENTRICULAR CARDIOMYOPATHY 8. Identifiers: MedGen C1843896, MONDO:0011831, OMIM 607450.

Submissions (2):

Ambry Genetics
Classification: Uncertain significance for Cardiovascular phenotype. Last evaluated: 2025-07-12. Review status: criteria provided, single submitter. Criteria: Ambry Variant Classification Scheme 2023. Collection method: clinical testing. Allele origin: germline.
Comment: The p.S2570G variant (also known as c.7708A>G), located in coding exon 24 of the DSP gene, results from an A to G substitution at nucleotide position 7708. The serine at codon 2570 is replaced by glycine, an amino acid with similar properties. This amino acid position is conserved. In addition, this alteration is predicted to be tolerated by in silico analysis. Based on the available evidence, the clinical significance of this variant remains unclear.

Labcorp Genetics (formerly Invitae), Labcorp
Classification: Uncertain significance for Arrhythmogenic cardiomyopathy with wooly hair and keratoderma; Arrhythmogenic right ventricular dysplasia 8. Last evaluated: 2025-06-30. Review status: criteria provided, single submitter. Criteria: Invitae Variant Classification Sherloc (09022015). Collection method: clinical testing. Allele origin: germline.
Comment: This sequence change replaces serine, which is neutral and polar, with glycine, which is neutral and non-polar, at codon 2570 of the DSP protein (p.Ser2570Gly). This variant is not present in population databases (gnomAD no frequency). This variant has not been reported in the literature in individuals affected with DSP-related conditions. ClinVar contains an entry for this variant (Variation ID: 1371902). An algorithm developed to predict the effect of missense changes on protein structure and function outputs the following: PolyPhen-2: "Benign". The glycine amino acid residue is found in multiple mammalian species, which suggests that this missense change does not adversely affect protein function. In summary, the available evidence is currently insufficient to determine the role of this variant in disease. Therefore, it has been classified as a Variant of Uncertain Significance.

NM_004415.4(DSP):c.7708A>G (p.Ser2570Gly)

Gene: DSP (desmoplakin; plus strand). Cytogenetic location: 6p24.3.
Variant type: single nucleotide variant.
Coding change: c.7708A>G on transcript NM_004415.4 (MANE Select); coding-DNA position 7708, A replaced by G.
Protein change: p.Ser2570Gly; replaces serine 2570 with glycine.
Molecular consequence: missense variant.
Genome position (GRCh38, 1-based): chr6:7,584,970, A>G. VCF-style: chr6-7584970-A-G. GRCh37 (hg19) VCF-style: chr6-7585203-A-G.
Other names: c.5911A>G, p.Ser1971Gly (NM_001008844.3); c.6379A>G, p.Ser2127Gly (NM_001319034.2); c.7708A>G (NM_004415.2); short protein forms S1971G, S2570G, S2127G.
Identifiers: ClinVar variation 1371902 (VCV001371902.7), dbSNP rs1456123705, ClinGen allele CA362693602.